The following is an entry in ClinVar:

NM_006767.4(LZTR1):c.1531G>T (p.Val511Leu)

Gene: LZTR1 (leucine zipper like post translational regulator 1; plus strand). Cytogenetic location: 22q11.21.
Variant type: single nucleotide variant.
Coding change: c.1531G>T on transcript NM_006767.4 (MANE Select); coding-DNA position 1531, G replaced by T.
Protein change: p.Val511Leu; replaces valine 511 with leucine.
Molecular consequence: missense variant.
Genome position (GRCh38, 1-based): chr22:20,994,185, G>T. VCF-style: chr22-20994185-G-T. GRCh37 (hg19) VCF-style: chr22-21348474-G-T.
Other names: short protein forms V511L.
Identifiers: ClinVar variation 3993923 (VCV003993923.1).

ClinVar aggregate classification (germline): Uncertain significance (1 of 4 stars; one submission).

Conditions:
Cardiovascular phenotype. Identifiers: MedGen CN230736.
Hereditary cancer-predisposing syndrome. Also called: Tumor predisposition; Hereditary neoplastic syndrome; Neoplastic Syndromes, Hereditary; Hereditary Cancer Syndrome. Identifiers: Orphanet 140162, MedGen C0027672, MeSH D009386, MONDO:0015356.

Submission:

Ambry Genetics
Classification: Uncertain significance for Cardiovascular phenotype; Hereditary cancer-predisposing syndrome. Last evaluated: 2025-05-22. Review status: criteria provided, single submitter. Criteria: Ambry Variant Classification Scheme 2023. Collection method: clinical testing. Allele origin: germline.
Comment: The p.V511L variant (also known as c.1531G>T), located in coding exon 14 of the LZTR1 gene, results from a G to T substitution at nucleotide position 1531. The valine at codon 511 is replaced by leucine, an amino acid with highly similar properties. This amino acid position is conserved. In addition, the in silico prediction for this alteration is inconclusive. Based on the available evidence, the clinical significance of this variant remains unclear.